The following is an entry in ClinVar:

ClinVar aggregate classification (germline): Uncertain significance (1 of 4 stars; one submission).

Conditions:
Hereditary cancer-predisposing syndrome. Also called: Hereditary Cancer Syndrome; Neoplastic Syndromes, Hereditary; Hereditary neoplastic syndrome; Tumor predisposition. Identifiers: Orphanet 140162, MedGen C0027672, MeSH D009386, MONDO:0015356.

Submission:

Ambry Genetics
Classification: Uncertain significance for Hereditary cancer-predisposing syndrome. Last evaluated: 2015-07-31. Review status: criteria provided, single submitter. Criteria: Ambry Variant Classification Scheme 2023. Collection method: clinical testing. Allele origin: germline.
Comment: The p.L182R variant (also known as c.545T>G), located in coding exon 4 of the STK11 gene, results from a T to G substitution at nucleotide position 545. The leucine at codon 182 is replaced by arginine, an amino acid with dissimilar properties. This variant was not reported in population based cohorts in the following databases: Database of Single Nucleotide Polymorphisms (dbSNP), NHLBI Exome Sequencing Project (ESP), and 1000 Genomes Project. In the ESP, this variant was not observed in 6310 samples (12620 alleles) with coverage at this position. To date, this alteration has been detected with an allele frequency of approximately 0.001% (greater than 110000 alleles tested) in our clinical cohort. This amino acid position is highly conserved in available vertebrate species. In addition, this alteration is predicted to be deleterious by in silico analysis. Since supporting evidence is limited at this time, the clinical significance of p.L182R remains unclear.

NM_000455.5(STK11):c.545T>G (p.Leu182Arg)

Gene: STK11 (serine/threonine kinase 11; plus strand). Cytogenetic location: 19p13.3.
Variant type: single nucleotide variant.
Coding change: c.545T>G on transcript NM_000455.5 (MANE Select); coding-DNA position 545, T replaced by G.
Protein change: p.Leu182Arg; replaces leucine 182 with arginine.
Molecular consequence: missense variant.
Genome position (GRCh38, 1-based): chr19:1,220,453, T>G. VCF-style: chr19-1220453-T-G. GRCh37 (hg19) VCF-style: chr19-1220452-T-G.
Other names: short protein forms L182R.
Identifiers: ClinVar variation 428790 (VCV000428790.5), dbSNP rs730881974, ClinGen allele CA402949116.
Genomic context (GRCh38, chr19:1,220,453, plus strand): 5'-ACGGCCTGGAGTACCTGCATAGCCAGGGCATTGTGCACAAGGACATCAAGCCGGGGAACC[T>G]GCTGCTCACCACCGGTGGCACCCTCAAAATCTCCGACCTGGGCGTGGCCGAGGTAGGCAC-3'
Protein context (NP_000446.1, residues 172-192): IVHKDIKPGN[Leu182Arg]LLTTGGTLKI